The following is an entry in ClinVar:

ClinVar aggregate classification (germline): Uncertain significance (1 of 4 stars; one submission).

Submission:

Labcorp Genetics (formerly Invitae), Labcorp
Classification: Uncertain significance. Last evaluated: 2022-06-18. Review status: criteria provided, single submitter. Criteria: Invitae Variant Classification Sherloc (09022015). Collection method: clinical testing. Allele origin: germline.
Comment: In summary, the available evidence is currently insufficient to determine the role of this variant in disease. Therefore, it has been classified as a Variant of Uncertain Significance. Algorithms developed to predict the effect of missense changes on protein structure and function are either unavailable or do not agree on the potential impact of this missense change (SIFT: "Deleterious"; PolyPhen-2: "Benign"; Align-GVGD: "Class C0"). This variant has not been reported in the literature in individuals affected with SLC34A1-related conditions. This variant is not present in population databases (gnomAD no frequency). This sequence change replaces histidine, which is basic and polar, with tyrosine, which is neutral and polar, at codon 299 of the SLC34A1 protein (p.His299Tyr).

NM_003052.5(SLC34A1):c.895C>T (p.His299Tyr)

Gene: SLC34A1 (solute carrier family 34 member 1; plus strand). Cytogenetic location: 5q35.3.
Variant type: single nucleotide variant.
Coding change: c.895C>T on transcript NM_003052.5 (MANE Select); coding-DNA position 895, C replaced by T.
Protein change: p.His299Tyr; replaces histidine 299 with tyrosine.
Molecular consequence: missense variant.
Genome position (GRCh38, 1-based): chr5:177,388,331, C>T. VCF-style: chr5-177388331-C-T. GRCh37 (hg19) VCF-style: chr5-176815332-C-T.
Other names: c.895C>T, p.His299Tyr (NM_001167579.2); short protein forms H299Y.
Identifiers: ClinVar variation 2007861 (VCV002007861.4), dbSNP rs2481015074, ClinGen allele CA362366028.